The following is an entry in ClinVar:

ClinVar aggregate classification (germline): Uncertain significance (1 of 4 stars; one submission).

Submission:

Ambry Genetics
Classification: Uncertain significance. Last evaluated: 2025-04-13. Review status: criteria provided, single submitter. Criteria: Ambry Variant Classification Scheme 2023. Collection method: clinical testing. Allele origin: germline.
Comment: The p.H1211Q variant (also known as c.3633C>G), located in coding exon 15 of the WNK2 gene, results from a C to G substitution at nucleotide position 3633. The histidine at codon 1211 is replaced by glutamine, an amino acid with highly similar properties. This amino acid position is conserved. In addition, this alteration is predicted to be tolerated by in silico analysis. Based on the available evidence, the clinical significance of this variant remains unclear.

NM_006648.4(WNK2):c.3633C>G (p.His1211Gln)

Gene: WNK2 (WNK lysine deficient protein kinase 2; plus strand). Cytogenetic location: 9q22.31.
Variant type: single nucleotide variant.
Coding change: c.3633C>G on transcript NM_006648.4 (MANE Select); coding-DNA position 3633, C replaced by G.
Protein change: p.His1211Gln; replaces histidine 1211 with glutamine.
Molecular consequence: missense variant.
Genome position (GRCh38, 1-based): chr9:93,263,970, C>G. VCF-style: chr9-93263970-C-G. GRCh37 (hg19) VCF-style: chr9-96026252-C-G.
Other names: c.3633C>G, p.His1211Gln (NM_001282394.3); short protein forms H1211Q.
Identifiers: ClinVar variation 3981872 (VCV003981872.1).
Genomic context (GRCh38, chr9:93,263,970, plus strand): 5'-CTTCCAGGTGTGCAACACTGGGGACAAGATGGTGGAGTGCCAGCTGGAGACGCACAACCA[C>G]AAGATGGTGACCTTCAAGTTCGACTTGGACGGGGACGCACCCGATGAAATTGCCACGTAT-3'
Protein context (NP_006639.3, residues 1201-1221): MVECQLETHN[His1211Gln]KMVTFKFDLD